The following is an entry in ClinVar:

NM_006950.3(SYN1):c.1657T>C (p.Ser553Pro)

Gene: SYN1 (synapsin I; minus strand). Cytogenetic location: Xp11.3.
Variant type: single nucleotide variant.
Coding change: c.1657T>C on transcript NM_006950.3 (MANE Select); coding-DNA position 1657, T replaced by C.
Protein change: p.Ser553Pro; replaces serine 553 with proline.
Molecular consequence: missense variant.
Genome position (GRCh38, 1-based): chrX:47,574,327, A>G on the plus strand (T>C on the coding strand, the complement: SYN1 is on the minus strand). VCF-style: chrX-47574327-A-G. GRCh37 (hg19) VCF-style: chrX-47433726-A-G.
Other names: c.1657T>C, p.Ser553Pro (NM_133499.2); short protein forms S553P.
Identifiers: ClinVar variation 931996 (VCV000931996.15), dbSNP rs1165799072, ClinGen allele CA412822995.

ClinVar aggregate classification (germline): Uncertain significance. Review status: criteria provided, multiple submitters, no conflicts (2 of 4 stars). 4 submissions from 4 submitters: Uncertain significance (4). Last evaluated 2025-11-03.

Conditions:
Inborn genetic diseases. Identifiers: MedGen C0950123, MeSH D030342.
Epilepsy, X-linked 1, with variable learning disabilities and behavior disorders. Also called: X-linked epilepsy-learning disabilities-behavior disorders syndrome. Identifiers: Orphanet 85294, MedGen C5774177, MONDO:0010339, OMIM 300491.

Allele frequency attached by ClinVar (database versions not stated): gnomAD exomes below 0.00001; gnomAD 0.00001.
gnomAD v4.1: 2 of 1,056,734 alleles (0.00019%); highest among the groups gnomAD compares: African/African-American, 0.002%; no homozygotes.

Submissions (4):

Labcorp Genetics (formerly Invitae), Labcorp
Classification: Uncertain significance for Epilepsy, X-linked 1, with variable learning disabilities and behavior disorders. Last evaluated: 2025-11-03. Review status: criteria provided, single submitter. Criteria: Invitae Variant Classification Sherloc (09022015). Collection method: clinical testing. Allele origin: germline.
Comment: This sequence change replaces serine, which is neutral and polar, with proline, which is neutral and non-polar, at codon 553 of the SYN1 protein (p.Ser553Pro). The frequency data for this variant in the population databases is considered unreliable, as metrics indicate insufficient coverage at this position in the gnomAD database. This variant has not been reported in the literature in individuals affected with SYN1-related conditions. ClinVar contains an entry for this variant (Variation ID: 931996). Experimental studies and prediction algorithms are not available or were not evaluated, and the functional significance of this variant is currently unknown. In summary, the available evidence is currently insufficient to determine the role of this variant in disease. Therefore, it has been classified as a Variant of Uncertain Significance.

Blueprint Genetics
Classification: Uncertain significance. Last evaluated: 2024-01-23. Review status: criteria provided, single submitter. Criteria: ACMG Guidelines, 2015. Collection method: clinical testing. Allele origin: germline.

Ambry Genetics
Classification: Uncertain significance for Inborn genetic diseases. Last evaluated: 2022-06-10. Review status: criteria provided, single submitter. Criteria: Ambry Variant Classification Scheme 2023. Collection method: clinical testing. Allele origin: germline.

Centre for Mendelian Genomics, University Medical Centre Ljubljana
Classification: Uncertain significance for Epilepsy, X-linked 1, with variable learning disabilities and behavior disorders. Last evaluated: 2016-01-01. Review status: criteria provided, single submitter. Criteria: ACMG Guidelines, 2015. Collection method: clinical testing. Allele origin: unknown. Affected: yes.
Comment: This variant was classified as: Uncertain significance. The following ACMG criteria were applied in classifying this variant: PM2,BP4.